The following is an entry in ClinVar:

ClinVar aggregate classification (germline): Uncertain significance. Review status: criteria provided, multiple submitters, no conflicts (2 of 4 stars). 2 submissions from 2 submitters: Uncertain significance (2). Last evaluated 2025-05-12.

Conditions:
Thrombomodulin-related bleeding disorder (THPH12). Also called: Thrombophilia due to thrombomodulin defect. Identifiers: Orphanet 436169, MedGen C3280976, MONDO:0013775, OMIM 614486.
Atypical hemolytic-uremic syndrome with thrombomodulin anomaly. Also called: HEMOLYTIC UREMIC SYNDROME, ATYPICAL, SUSCEPTIBILITY TO, 6; AHUS, SUSCEPTIBILITY TO, 6. Identifiers: MedGen C2752036, MONDO:0013044, OMIM 612926. Disease mechanism: gain of function.

Submissions (2):

Labcorp Genetics (formerly Invitae), Labcorp
Classification: Uncertain significance. Last evaluated: 2025-05-12. Review status: criteria provided, single submitter. Criteria: Invitae Variant Classification Sherloc (09022015). Collection method: clinical testing. Allele origin: germline.
Comment: This variant, c.1488_1490dup, results in the insertion of 1 amino acid(s) of the THBD protein (p.Pro497dup), but otherwise preserves the integrity of the reading frame. This variant is not present in population databases (gnomAD no frequency). This variant has not been reported in the literature in individuals affected with THBD-related conditions. ClinVar contains an entry for this variant (Variation ID: 3587107). In summary, the available evidence is currently insufficient to determine the role of this variant in disease. Therefore, it has been classified as a Variant of Uncertain Significance.

Fulgent Genetics
Classification: Uncertain significance for Atypical hemolytic-uremic syndrome with thrombomodulin anomaly; Thrombomodulin-related bleeding disorder. Last evaluated: 2024-04-12. Review status: criteria provided, single submitter. Criteria: ACMG Guidelines, 2015. Collection method: clinical testing. Allele origin: germline.

NM_000361.3(THBD):c.1488_1490dup (p.Pro497_Ser498insPro)

Gene: THBD (thrombomodulin; minus strand). Cytogenetic location: 20p11.21.
Variant type: Duplication.
Coding change: c.1488_1490dup on transcript NM_000361.3 (MANE Select); coding-DNA positions 1488 to 1490, 3 bases duplicated (GCC; older notation c.1488_1490dupGCC).
Protein change: p.Pro497_Ser498insPro.
Genome position (GRCh38, 1-based): chr20:23,048,015-23,048,017, GGC duplicated on the plus strand (GCC on the coding strand, the reverse complement: THBD is on the minus strand); duplicating any 3 consecutive bases within chr20:23,048,015-23,048,019 gives the same sequence; the c. name uses the placement nearest the transcript's 3' end. VCF-style (leftmost placement, unchanged base first): chr20-23048014-G-GGGC. GRCh37 (hg19) VCF-style: chr20-23028651-G-GGGC.
Identifiers: ClinVar variation 3587107 (VCV003587107.2).